The following is an entry in ClinVar:

NM_031844.3(HNRNPU):c.1000G>C (p.Val334Leu)

Gene: HNRNPU (heterogeneous nuclear ribonucleoprotein U; minus strand). Cytogenetic location: 1q44.
Variant type: single nucleotide variant.
Coding change: c.1000G>C on transcript NM_031844.3 (MANE Select); coding-DNA position 1000, G replaced by C.
Protein change: p.Val334Leu; replaces valine 334 with leucine.
Molecular consequence: missense variant.
Genome position (GRCh38, 1-based): chr1:244,860,352, C>G on the plus strand (G>C on the coding strand, the complement: HNRNPU is on the minus strand). VCF-style: chr1-244860352-C-G. GRCh37 (hg19) VCF-style: chr1-245023654-C-G.
Other names: c.943G>C, p.Val315Leu (NM_004501.3); short protein forms V334L, V315L.
Identifiers: ClinVar variation 532552 (VCV000532552.9), dbSNP rs772372487, ClinGen allele CA1486604.

ClinVar aggregate classification (germline): Uncertain significance (1 of 4 stars; one submission).

Conditions:
Developmental and epileptic encephalopathy, 54. Also called: Epileptic encephalopathy, early infantile, 54; HNRNPU-Related Neurodevelopmental Disorder. Identifiers: MedGen C4479319, MONDO:0033363, OMIM 617391.

Allele frequency attached by ClinVar (database versions not stated): TOPMed below 0.00001; gnomAD 0.00001.
gnomAD v4.1: 5 of 1,608,132 alleles (0.00031%); highest among the groups gnomAD compares: East Asian, 0.011%; no homozygotes.

Submission:

Labcorp Genetics (formerly Invitae), Labcorp
Classification: Uncertain significance for Developmental and epileptic encephalopathy, 54. Last evaluated: 2017-08-23. Review status: criteria provided, single submitter. Criteria: Invitae Variant Classification Sherloc (09022015). Collection method: clinical testing. Allele origin: germline.
Comment: In summary, the available evidence is currently insufficient to determine the role of this variant in disease. Therefore, it has been classified as a Variant of Uncertain Significance. Algorithms developed to predict the effect of missense changes on protein structure and function do not agree on the potential impact of this missense change (SIFT: "Tolerated"; PolyPhen-2: "Probably Damaging"; Align-GVGD: "Class C0"). This variant has not been reported in the literature in individuals with HNRNPU-related disease. This variant is present in population databases (rs772372487, ExAC 0.01%). This sequence change replaces valine with leucine at codon 334 of the HNRNPU protein (p.Val334Leu). The valine residue is highly conserved and there is a small physicochemical difference between valine and leucine.